The following is an entry in ClinVar:

ClinVar aggregate classification (germline): Uncertain significance (1 of 4 stars; one submission).

Allele frequency attached by ClinVar (database versions not stated): ExAC 0.00003; gnomAD 0.00003; gnomAD exomes 0.00004; TOPMed 0.00004; ESP Exome Variant Server 0.00008; 1000 Genomes Project 0.00040; 1000 Genomes Project 30x 0.00047.

Submission:

Labcorp Genetics (formerly Invitae), Labcorp
Classification: Uncertain significance. Last evaluated: 2025-05-24. Review status: criteria provided, single submitter. Criteria: Invitae Variant Classification Sherloc (09022015). Collection method: clinical testing. Allele origin: germline.
Comment: This sequence change replaces arginine, which is basic and polar, with tryptophan, which is neutral and slightly polar, at codon 390 of the MICAL1 protein (p.Arg390Trp). This variant is present in population databases (rs192304860, gnomAD 0.02%). This variant has not been reported in the literature in individuals affected with MICAL1-related conditions. ClinVar contains an entry for this variant (Variation ID: 2060849). An algorithm developed to predict the effect of missense changes on protein structure and function (PolyPhen-2) suggests that this variant is likely to be disruptive. In summary, the available evidence is currently insufficient to determine the role of this variant in disease. Therefore, it has been classified as a Variant of Uncertain Significance.

NM_022765.4(MICAL1):c.1111C>T (p.Arg371Trp)

Gene: MICAL1 (microtubule associated monooxygenase, calponin and LIM domain containing 1; minus strand). Cytogenetic location: 6q21.
Variant type: single nucleotide variant.
Coding change: c.1111C>T on transcript NM_022765.4 (MANE Select); coding-DNA position 1111, C replaced by T.
Protein change: p.Arg371Trp; replaces arginine 371 with tryptophan.
Molecular consequence: missense variant. On other transcripts: intron variant (1).
Genome position (GRCh38, 1-based): chr6:109,450,380, G>A on the plus strand (C>T on the coding strand, the complement: MICAL1 is on the minus strand). VCF-style: chr6-109450380-G-A. GRCh37 (hg19) VCF-style: chr6-109771583-G-A.
Other names: c.1168C>T, p.Arg390Trp (NM_001286613.2); c.934-295C>T (NM_001159291.2); short protein forms R371W, R390W.
Identifiers: ClinVar variation 2060849 (VCV002060849.4), dbSNP rs192304860, ClinGen allele CA3953503.